The following is an entry in ClinVar:

ClinVar aggregate classification (germline): Likely benign (1 of 4 stars; one submission).

gnomAD v4.1: 3 of 1,614,118 alleles (0.00019%); highest among the groups gnomAD compares: Non-Finnish European, 0.00025%; no homozygotes.

Submission:

CeGaT Center for Human Genetics Tuebingen
Classification: Likely benign. Last evaluated: 2026-01-01. Review status: criteria provided, single submitter. Criteria: CeGaT Center For Human Genetics Tuebingen Variant Classification Criteria Version 2. Collection method: clinical testing. Allele origin: germline. Affected: yes. Observed: 1 variant allele.
Comment: KMT2A: BP4

NM_001197104.2(KMT2A):c.9886A>G (p.Ile3296Val)

Gene: KMT2A (lysine methyltransferase 2A; plus strand). Cytogenetic location: 11q23.3.
Variant type: single nucleotide variant.
Coding change: c.9886A>G on transcript NM_001197104.2 (MANE Select); coding-DNA position 9886, A replaced by G.
Protein change: p.Ile3296Val; replaces isoleucine 3296 with valine.
Molecular consequence: missense variant.
Genome position (GRCh38, 1-based): chr11:118,505,778, A>G. VCF-style: chr11-118505778-A-G. GRCh37 (hg19) VCF-style: chr11-118376493-A-G.
Other names: c.9976A>G, p.Ile3326Val (NM_001412597.1); c.9877A>G, p.Ile3293Val (NM_005933.4); short protein forms I3293V, I3296V, I3326V.
Identifiers: ClinVar variation 4823123 (VCV004823123.4).